The following is an entry in ClinVar:

NM_000136.3(FANCC):c.1156T>C (p.Ser386Pro)

Genes: AOPEP (aminopeptidase O (putative); plus strand), FANCC (FA complementation group C; minus strand). Cytogenetic location: 9q22.32.
Variant type: single nucleotide variant.
Coding change: c.1156T>C on transcript NM_000136.3 (MANE Select); coding-DNA position 1156, T replaced by C.
Protein change: p.Ser386Pro; replaces serine 386 with proline.
Molecular consequence: missense variant.
Genome position (GRCh38, 1-based): chr9:95,111,636, A>G on the plus strand (T>C on the coding strand, the complement: FANCC is on the minus strand). VCF-style: chr9-95111636-A-G. GRCh37 (hg19) VCF-style: chr9-97873918-A-G.
Other names: p.S386P:TCC>CCC; c.1156T>C, p.Ser386Pro (NM_001243743.2, NM_001243744.2); short protein forms S386P.
Identifiers: ClinVar variation 134296 (VCV000134296.33), dbSNP rs41281202, ClinGen allele CA159387.
Genomic context (GRCh38, chr9:95,111,636, plus strand): 5'-TCTCAGCCCATCCTCCGAAGTGAATGAACAGGAACCAGCTCTCAAAGGGACCTCCGCAGG[A>G]CCTGGAACAGAGGCAGAACACATGGCAGTTGACAACCTAAATTCTTCTTCCTTTGGGTTT-3'
Protein context (NP_000127.2, residues 376-396): REAVEDQTHG[Ser386Pro]CGGPFESWFL

ClinVar aggregate classification (germline): Conflicting classifications of pathogenicity. Review status: criteria provided, conflicting classifications (1 of 4 stars). 13 submissions from 13 submitters: Uncertain significance (2); Benign (3); Likely benign (7). 1 of the submissions does not count toward it. Last evaluated 2026-01-28.

Conditions:
Hereditary cancer-predisposing syndrome. Also called: Tumor predisposition; Hereditary neoplastic syndrome; Neoplastic Syndromes, Hereditary; Hereditary Cancer Syndrome. Identifiers: Orphanet 140162, MedGen C0027672, MeSH D009386, MONDO:0015356.
Fanconi anemia (FA). Also called: Fanconi's anemia. Identifiers: Orphanet 84, MedGen C0015625, MeSH D005199, MONDO:0019391.
Fanconi anemia complementation group C (FANCC). Also called: Fanconi anemia, group C; FANCC-Related Fanconi Anemia; FANCONI PANCYTOPENIA, TYPE 3; FACC. Identifiers: Orphanet 84, MedGen C3468041, MONDO:0009213, OMIM 227645.
Fanconi anemia complementation group A (FANCA). Also called: Fanconi anemia, group A; FANCA-Related Fanconi Anemia. Identifiers: Orphanet 84, MedGen C3469521, MONDO:0009215, OMIM 227650.

Allele frequency attached by ClinVar (database versions not stated): gnomAD exomes 0.00020 and 0.00055; ExAC 0.00068; ESP Exome Variant Server 0.00208; gnomAD 0.00218 and 0.00236; 1000 Genomes Project 0.00220; TOPMed 0.00250; 1000 Genomes Project 30x 0.00265.
gnomAD v4.1: 635 of 1,614,122 alleles (0.039%); highest among the groups gnomAD compares: African/African-American, 0.76%; 1 homozygote.

Submissions (13):

Labcorp Genetics (formerly Invitae), Labcorp
Classification: Benign for Fanconi anemia. Last evaluated: 2026-01-28. Review status: criteria provided, single submitter. Criteria: Invitae Variant Classification Sherloc (09022015). Collection method: clinical testing. Allele origin: germline.

Women's Health and Genetics/Laboratory Corporation of America, LabCorp
Classification: Likely benign. Last evaluated: 2025-10-24. Review status: criteria provided, single submitter. Criteria: LabCorp Variant Classification Summary - May 2015. Collection method: clinical testing. Allele origin: germline.
Comment: Variant summary: FANCC c.1156T>C (p.Ser386Pro) results in a non-conservative amino acid change in the encoded protein sequence. Algorithms developed to predict the effect of missense changes on protein structure and function are either unavailable or do not agree on the potential impact of this missense change. Consensus agreement among computation tools predict no significant impact on normal splicing. However, these predictions have yet to be confirmed by functional studies. The variant allele was found at a frequency of 0.00055 in 251354 control chromosomes, predominantly at a frequency of 0.0076 within the African or African-American subpopulation in the gnomAD database, including 1 homozygote. The observed variant frequency within African or African-American control individuals in the gnomAD database exceeds the estimated maximal expected allele frequency for disease-causing variants in FANCC. To our knowledge, no occurrence of c.1156T>C in individuals affected with FANCC-related conditions and no experimental evidence demonstrating its impact on protein function have been reported. ClinVar contains an entry for this variant (Variation ID: 134296). Based on the evidence outlined above, the variant was classified as likely benign.

Quest Diagnostics Nichols Institute San Juan Capistrano
Classification: Benign. Last evaluated: 2025-10-16. Review status: criteria provided, single submitter. Criteria: Quest Diagnostics criteria. Collection method: clinical testing. Allele origin: unknown.

ARUP Laboratories, Molecular Genetics and Genomics, ARUP Laboratories
Classification: Likely benign for Fanconi anemia complementation group C. Last evaluated: 2025-05-21. Review status: criteria provided, single submitter. Criteria: ARUP Molecular Germline Variant Investigation Process 2024. Collection method: clinical testing. Allele origin: germline.

Blueprint Genetics
Classification: Likely benign. Last evaluated: 2024-09-18. Review status: criteria provided, single submitter. Criteria: ACMG Guidelines, 2015. Collection method: clinical testing. Allele origin: germline.

Genetic Services Laboratory, University of Chicago
Classification: Likely benign. Last evaluated: 2021-08-27. Review status: criteria provided, single submitter. Criteria: ACMG Guidelines, 2015. Collection method: clinical testing. Allele origin: germline. Affected: no.

Sema4
Classification: Likely benign for Fanconi anemia. Last evaluated: 2021-02-25. Review status: criteria provided, single submitter. Criteria: Sema4 Curation Guidelines. Collection method: curation. Allele origin: germline.

Mendelics
Classification: Likely benign for Fanconi anemia complementation group A. Last evaluated: 2019-05-28. Review status: criteria provided, single submitter. Criteria: Mendelics Assertion Criteria 2017. Collection method: clinical testing. Allele origin: unknown.

Ambry Genetics
Classification: Likely benign for Hereditary cancer-predisposing syndrome. Last evaluated: 2019-03-25. Review status: criteria provided, single submitter. Criteria: Ambry Variant Classification Scheme 2023. Collection method: clinical testing. Allele origin: germline.

Baylor Genetics
Classification: Uncertain significance for Fanconi anemia complementation group C. Last evaluated: 2018-07-16. Review status: criteria provided, single submitter. Criteria: ACMG Guidelines, 2015. Collection method: clinical testing. Allele origin: maternal. Affected: yes.
Comment: This variant was determined to be of uncertain significance according to ACMG Guidelines, 2015 [PMID:25741868].

Center for Pediatric Genomic Medicine, Children's Mercy Hospital and Clinics
Classification: Uncertain significance. Last evaluated: 2015-06-04. Review status: criteria provided, single submitter. Criteria: ACMG Guidelines, 2015. Collection method: clinical testing. Allele origin: germline.
ClinVar note: Converted during submission from Uncertain Significance to Uncertain significance.

GeneDx
Classification: Benign. Last evaluated: 2014-08-15. Review status: criteria provided, single submitter. Criteria: GeneDx Variant Classification (06012015). Collection method: clinical testing. Allele origin: germline. Affected: yes.
Comment: This variant is considered likely benign or benign based on one or more of the following criteria: it is a conservative change, it occurs at a poorly conserved position in the protein, it is predicted to be benign by multiple in silico algorithms, and/or has population frequency not consistent with disease.

ITMI
No classification provided. Condition: AllHighlyPenetrant. Last evaluated: 2013-09-19. Review status: no classification provided. Collection method: reference population. Allele origin: germline. Not counted in ClinVar's aggregate classification.
Comment: Please see associated publication for description of ethnicities

Literature cited by the submitters: PubMed 24728327 (cited by Quest Diagnostics Nichols Institute San Juan Capistrano and ITMI).